The following is an entry in ClinVar:

NM_182919.4(TICAM1):c.1832G>A (p.Gly611Asp)

Gene: TICAM1 (TIR domain containing adaptor molecule 1; minus strand). Cytogenetic location: 19p13.3.
Variant type: single nucleotide variant.
Coding change: c.1832G>A on transcript NM_182919.4 (MANE Select); coding-DNA position 1832, G replaced by A.
Protein change: p.Gly611Asp; replaces glycine 611 with aspartic acid.
Molecular consequence: missense variant.
Genome position (GRCh38, 1-based): chr19:4,816,546, C>T on the plus strand (G>A on the coding strand, the complement: TICAM1 is on the minus strand). VCF-style: chr19-4816546-C-T. GRCh37 (hg19) VCF-style: chr19-4816558-C-T.
Other names: c.1790G>A, p.Gly597Asp (NM_001385678.1); c.1697G>A, p.Gly566Asp (NM_001385679.1); c.1190G>A, p.Gly397Asp (NM_001385680.1); c.1832G>A (NM_182919.2); short protein forms G597D, G566D, G611D, G397D.
Identifiers: ClinVar variation 1501494 (VCV001501494.8), dbSNP rs781426719, ClinGen allele CA9105059.

ClinVar aggregate classification (germline): Uncertain significance. Review status: criteria provided, multiple submitters, no conflicts (2 of 4 stars). 2 submissions from 2 submitters: Uncertain significance (2). Last evaluated 2023-11-17.

Conditions:
Encephalopathy, acute, infection-induced (herpes-specific), susceptibility to, 6. Also called: Herpes simplex encephalitis, susceptibility to, 4. Identifiers: Orphanet 1930, MedGen C3553869, MONDO:0013921, OMIM 614850.

Allele frequency attached by ClinVar (database versions not stated): TOPMed 0.00004; gnomAD 0.00001; ExAC 0.00005.
gnomAD v4.1: 17 of 1,605,370 alleles (0.0011%); highest among the groups gnomAD compares: Admixed American, 0.027%; no homozygotes.

Submissions (2):

Ambry Genetics
Classification: Uncertain significance. Last evaluated: 2023-11-17. Review status: criteria provided, single submitter. Criteria: Ambry Variant Classification Scheme 2023. Collection method: clinical testing. Allele origin: germline.

Labcorp Genetics (formerly Invitae), Labcorp
Classification: Uncertain significance for Encephalopathy, acute, infection-induced (herpes-specific), susceptibility to, 6. Last evaluated: 2023-10-05. Review status: criteria provided, single submitter. Criteria: Invitae Variant Classification Sherloc (09022015). Collection method: clinical testing. Allele origin: germline.
Comment: This sequence change replaces glycine, which is neutral and non-polar, with aspartic acid, which is acidic and polar, at codon 611 of the TICAM1 protein (p.Gly611Asp). This variant is present in population databases (rs781426719, gnomAD 0.04%). This variant has not been reported in the literature in individuals affected with TICAM1-related conditions. ClinVar contains an entry for this variant (Variation ID: 1501494). An algorithm developed to predict the effect of missense changes on protein structure and function (PolyPhen-2) suggests that this variant¬†is likely to be tolerated. In summary, the available evidence is currently insufficient to determine the role of this variant in disease. Therefore, it has been classified as a Variant of Uncertain Significance.